The following is an entry in ClinVar:

ClinVar aggregate classification (germline): Pathogenic/Likely pathogenic. Review status: criteria provided, multiple submitters, no conflicts (2 of 4 stars). 4 submissions from 4 submitters: Pathogenic (1); Likely pathogenic (3). Last evaluated 2025-10-21.

Conditions:
Ataxia - oculomotor apraxia type 4. Identifiers: Orphanet 459033, MedGen C4225397, MONDO:0014557, OMIM 616267.
Microcephaly, seizures, and developmental delay. Identifiers: Orphanet 1934, MedGen C3150667, MONDO:0013254, OMIM 613402.
Charcot-Marie-Tooth disease type 2B2 (CMT2B2). Also called: Charcot-Marie-Tooth Neuropathy Type 2B2; CHARCOT-MARIE-TOOTH DISEASE, AXONAL, AUTOSOMAL RECESSIVE, TYPE 2B2; CHARCOT-MARIE-TOOTH DISEASE, AXONAL, TYPE 2B2; CHARCOT-MARIE-TOOTH DISEASE, NEURONAL, TYPE 2B2. Identifiers: Orphanet 101101, MedGen C1854150, MONDO:0011570, OMIM 605589.
Developmental and epileptic encephalopathy, 12 (DEE12). Identifiers: MedGen C3150988, MONDO:0013389, OMIM 613722.

Allele frequency attached by ClinVar (database versions not stated): gnomAD 0.00001; TOPMed 0.00002.
gnomAD v4.1: 30 of 1,614,026 alleles (0.0019%); highest among the groups gnomAD compares: South Asian, 0.0033%; no homozygotes.

Submissions (4):

GeneDx
Classification: Likely pathogenic. Last evaluated: 2025-10-21. Review status: criteria provided, single submitter. Criteria: GeneDx Variant Classification Process June 2021. Collection method: clinical testing. Allele origin: germline. Affected: yes.
Comment: Nonsense variant predicted to result in protein truncation or nonsense mediated decay in a gene for which loss of function is a known mechanism of disease; Not observed at significant frequency in large population cohorts (gnomAD); Has not been previously published as pathogenic or benign to our knowledge

Labcorp Genetics (formerly Invitae), Labcorp
Classification: Pathogenic for Developmental and epileptic encephalopathy, 12. Last evaluated: 2025-03-10. Review status: criteria provided, single submitter. Criteria: Invitae Variant Classification Sherloc (09022015). Collection method: clinical testing. Allele origin: germline.
Comment: This sequence change creates a premature translational stop signal (p.Arg204*) in the PNKP gene. It is expected to result in an absent or disrupted protein product. Loss-of-function variants in PNKP are known to be pathogenic (PMID: 20118933, 25728773). This variant is present in population databases (rs796052850, gnomAD 0.004%). This variant has not been reported in the literature in individuals affected with PNKP-related conditions. ClinVar contains an entry for this variant (Variation ID: 206388). Algorithms developed to predict the effect of sequence changes on RNA splicing suggest that this variant may disrupt the consensus splice site. For these reasons, this variant has been classified as Pathogenic.

Women's Health and Genetics/Laboratory Corporation of America, LabCorp
Classification: Likely pathogenic. Last evaluated: 2020-03-20. Review status: criteria provided, single submitter. Criteria: LabCorp Variant Classification Summary - May 2015. Collection method: clinical testing. Allele origin: germline.
Comment: Variant summary: PNKP c.610C>T (p.Arg204X) results in a premature termination codon, predicted to cause a truncation of the encoded protein or absence of the protein due to nonsense mediated decay, which are commonly known mechanisms for disease. Truncations downstream of this position have been reported as disease-associated mutations in HGMD and in the literature and have been classified as pathogenic in ClinVar. The variant allele was found at a frequency of 4e-06 in 251368 control chromosomes (gnomAD). To our knowledge, no occurrence of c.610C>T in individuals affected with PNKP-Related Disorders and no experimental evidence demonstrating its impact on protein function have been reported. A ClinVar submitter (evaluation in 2014) cites the variant as pathogenic. Based on the evidence outlined above, the variant was classified as likely pathogenic.

Juno Genomics, Hangzhou Juno Genomics, Inc
Classification: Likely pathogenic for Charcot-Marie-Tooth disease type 2B2; Ataxia - oculomotor apraxia type 4; Microcephaly, seizures, and developmental delay. Review status: criteria provided, single submitter. Criteria: ACMG Guidelines, 2015. Collection method: clinical testing. Allele origin: germline.
Comment: Null variant in a gene where loss of function (LOF) is a known mechanism of disease.;Absent from controls (or at extremely low frequency if recessive) in Genome Aggregation Database.

Literature cited by the submitters: PubMed 20118933 (cited by Labcorp Genetics (formerly Invitae), Labcorp); PubMed 25728773 (cited by Labcorp Genetics (formerly Invitae), Labcorp).

NM_007254.4(PNKP):c.610C>T (p.Arg204Ter)

Gene: PNKP (polynucleotide kinase 3'-phosphatase; minus strand). Cytogenetic location: 19q13.33.
Variant type: single nucleotide variant.
Coding change: c.610C>T on transcript NM_007254.4 (MANE Select); coding-DNA position 610, C replaced by T.
Protein change: p.Arg204Ter; replaces arginine 204 with a stop codon.
Molecular consequence: nonsense.
Genome position (GRCh38, 1-based): chr19:49,864,205, G>A on the plus strand (C>T on the coding strand, the complement: PNKP is on the minus strand). VCF-style: chr19-49864205-G-A. GRCh37 (hg19) VCF-style: chr19-50367462-G-A.
Other names: p.R204*:CGA>TGA; short protein forms R204*.
Identifiers: ClinVar variation 206388 (VCV000206388.8), dbSNP rs796052850, ClinGen allele CA316456.